The following is an entry in ClinVar:

ClinVar aggregate classification (germline): Uncertain significance (1 of 4 stars; one submission).

Conditions:
Tuberous sclerosis 2 (TSC2). Identifiers: Orphanet 805, MedGen C1860707, MONDO:0013199, OMIM 613254.

Submission:

Dr. med. U. Finckh, Human Genetics, Eurofins MVZ
Classification: Uncertain significance for Tuberous sclerosis 2. Last evaluated: 2023-05-15. Review status: criteria provided, single submitter. Criteria: ACMG Guidelines, 2015. Collection method: clinical testing. Allele origin: germline. Observed: 2 heterozygotes.
Comment: This variant is not present in gnomad (v2). Prediction tools show reduced probabilites for splicing of the adjacent splice donor site. In ClinVar, a variant with a similar reduction is classified as uncertain and variants with more convincing predictions 1-2bp downstream (directly affecting the splice donor site) are classified als (likely) pathogenic. Due to variable expressivity and reduced penetrance of TSC2 as well as the young age of one proband and the lack of exclusion of a mosaic status in the other proband, a pathogenic relevance of the variant cannot be excluded with absolute certainty. The variant is classified as uncertain.

NM_000548.5(TSC2):c.3609A>C (p.Thr1203=)

Gene: TSC2 (TSC complex subunit 2; plus strand). Cytogenetic location: 16p13.3.
Variant type: single nucleotide variant.
Coding change: c.3609A>C on transcript NM_000548.5 (MANE Select); coding-DNA position 3609, A replaced by C.
Protein change: p.Thr1203=; no amino-acid change (threonine 1203 retained).
Molecular consequence: synonymous variant. On other transcripts: non-coding transcript variant (5).
Genome position (GRCh38, 1-based): chr16:2,080,376, A>C. VCF-style: chr16-2080376-A-C. GRCh37 (hg19) VCF-style: chr16-2130377-A-C.
Other names: c.3567A>C, p.Thr1189= (NM_001406668.1); c.3498A>C, p.Thr1166= (NM_001406670.1); c.3468A>C, p.Thr1156= (NM_001406671.1); c.3465A>C, p.Thr1155= (NM_001406673.1); c.3477A>C, p.Thr1159= (NM_001077183.3, NM_001370404.1, NM_001406665.1); c.3609A>C, p.Thr1203= (NM_001114382.3); c.3369A>C, p.Thr1123= (NM_001318827.2); c.3333A>C, p.Thr1111= (NM_001318829.2); and 18 more.
Identifiers: ClinVar variation 2580966 (VCV002580966.1), dbSNP rs1567505082, ClinGen allele CA493043216.